The following is an entry in ClinVar:

ClinVar aggregate classification (germline): Uncertain significance. Review status: criteria provided, multiple submitters, no conflicts (2 of 4 stars). 4 submissions from 4 submitters: Uncertain significance (3). 1 of the submissions does not count toward it. Last evaluated 2023-01-20.

Conditions:
Autosomal dominant nonsyndromic hearing loss 6 (LFSNHL). Also called: Autosomal dominant nonsyndromic deafness 6; DEAFNESS, AUTOSOMAL DOMINANT 6; DEAFNESS, AUTOSOMAL DOMINANT 14; DEAFNESS, AUTOSOMAL DOMINANT 38. Identifiers: Orphanet 90635, MedGen C1833021, MONDO:0010963, OMIM 600965.
Type 2 diabetes mellitus. Also called: Type II diabetes mellitus. Identifiers: MedGen C0011860, MeSH D003924, MONDO:0005148, OMIM 125853, HP:0005978.
Wolfram-like syndrome. Also called: HEARING LOSS, PROGRESSIVE, WITH OPTIC ATROPHY AND/OR IMPAIRED GLUCOSE REGULATION. Identifiers: Orphanet 411590, MedGen C3280358, MONDO:0013673, OMIM 614296.
Cataract 41 (CTRCT41). Also called: CATARACT 41, CONGENITAL NUCLEAR TYPE. Identifiers: Orphanet 91492, Orphanet 98991, Orphanet 98992, Orphanet 98995, MedGen C3805412, MONDO:0007287, OMIM 116400.
Wolfram syndrome 1 (WFS1). Identifiers: Orphanet 3463, MedGen C4551693, MONDO:0009101, OMIM 222300.
Optic atrophy. Identifiers: MedGen C0029124, MONDO:0003608, HP:0000648.

gnomAD v4.1: 7 of 1,611,510 alleles (0.00043%); no homozygotes.

Submissions (4):

GeneDx
Classification: Uncertain significance. Last evaluated: 2023-01-20. Review status: criteria provided, single submitter. Criteria: GeneDx Variant Classification Process June 2021. Collection method: clinical testing. Allele origin: germline. Affected: yes.
Comment: Not observed in large population cohorts (gnomAD); In silico analysis, which includes protein predictors and evolutionary conservation, supports that this missense variant does not alter protein structure/function; Has not been previously published as pathogenic or benign to our knowledge

Labcorp Genetics (formerly Invitae), Labcorp
Classification: Uncertain significance. Last evaluated: 2022-03-10. Review status: criteria provided, single submitter. Criteria: Invitae Variant Classification Sherloc (09022015). Collection method: clinical testing. Allele origin: germline.
Comment: In summary, the available evidence is currently insufficient to determine the role of this variant in disease. Therefore, it has been classified as a Variant of Uncertain Significance. Algorithms developed to predict the effect of sequence changes on RNA splicing suggest that this variant may create or strengthen a splice site. Advanced modeling of protein sequence and biophysical properties (such as structural, functional, and spatial information, amino acid conservation, physicochemical variation, residue mobility, and thermodynamic stability) performed at Invitae indicates that this missense variant is not expected to disrupt WFS1 protein function. ClinVar contains an entry for this variant (Variation ID: 1315965). This variant has not been reported in the literature in individuals affected with WFS1-related conditions. This variant is not present in population databases (gnomAD no frequency). This sequence change replaces lysine, which is basic and polar, with glutamine, which is neutral and polar, at codon 482 of the WFS1 protein (p.Lys482Gln).

Fulgent Genetics
Classification: Uncertain significance for Cataract 41; Type 2 diabetes mellitus; Wolfram syndrome 1; Autosomal dominant nonsyndromic hearing loss 6; Wolfram-like syndrome. Last evaluated: 2021-08-16. Review status: criteria provided, single submitter. Criteria: ACMG Guidelines, 2015. Collection method: clinical testing. Allele origin: unknown.

Institute of Human Genetics, Univ. Regensburg, Univ. Regensburg
Classification: Uncertain significance for Optic atrophy. Last evaluated: 2022-01-01. Review status: no assertion criteria provided. Criteria: ACMG Guidelines, 2015. Collection method: clinical testing. Allele origin: germline. Affected: yes. Not counted in ClinVar's aggregate classification.

NM_006005.3(WFS1):c.1444A>C (p.Lys482Gln)

Gene: WFS1 (wolframin ER transmembrane glycoprotein; plus strand). Cytogenetic location: 4p16.1.
Variant type: single nucleotide variant.
Coding change: c.1444A>C on transcript NM_006005.3 (MANE Select); coding-DNA position 1444, A replaced by C.
Protein change: p.Lys482Gln; replaces lysine 482 with glutamine.
Molecular consequence: missense variant.
Genome position (GRCh38, 1-based): chr4:6,301,239, A>C. VCF-style: chr4-6301239-A-C. GRCh37 (hg19) VCF-style: chr4-6302966-A-C.
Other names: c.1444A>C, p.Lys482Gln (NM_001145853.1); short protein forms K482Q.
Identifiers: ClinVar variation 1315965 (VCV001315965.11), dbSNP rs2109125928, ClinGen allele CA356174978.